The following is an entry in ClinVar:

ClinVar aggregate classification (germline): Uncertain significance (1 of 4 stars; one submission).

gnomAD v4.1: 6 of 1,606,934 alleles (0.00037%); highest among the groups gnomAD compares: South Asian, 0.0022%; no homozygotes.

Submission:

CeGaT Center for Human Genetics Tuebingen
Classification: Uncertain significance. Last evaluated: 2022-05-01. Review status: criteria provided, single submitter. Criteria: CeGaT Center For Human Genetics Tuebingen Variant Classification Criteria Version 2. Collection method: clinical testing. Allele origin: germline. Affected: yes. Observed: 1 variant allele.
Comment: EHMT1: PM2, BP4

NM_024757.5(EHMT1):c.512C>G (p.Thr171Arg)

Gene: EHMT1 (euchromatic histone lysine methyltransferase 1; plus strand). Cytogenetic location: 9q34.3.
Variant type: single nucleotide variant.
Coding change: c.512C>G on transcript NM_024757.5 (MANE Select); coding-DNA position 512, C replaced by G.
Protein change: p.Thr171Arg; replaces threonine 171 with arginine.
Molecular consequence: missense variant.
Genome position (GRCh38, 1-based): chr9:137,717,052, C>G. VCF-style: chr9-137717052-C-G. GRCh37 (hg19) VCF-style: chr9-140611504-C-G.
Other names: c.512C>G, p.Thr171Arg (NM_001145527.2, NM_001354263.2, NM_001354611.2); c.419C>G, p.Thr140Arg (NM_001354259.2, NM_001354612.2); short protein forms T140R, T171R.
Identifiers: ClinVar variation 1695278 (VCV001695278.31), dbSNP rs374127714, ClinGen allele CA375765489.
Genomic context (GRCh38, chr9:137,717,052, plus strand): 5'-CTGCAAAAACCCTTCCTGGAGGGGCTGGCAAAGGCAGGACTCCAAGCGCTTTTCCCCAGA[C>G]GCCAGCCGCCCCACCAGCCACCCTTGGGGAGGGGAGTGCTGACACAGAGGACAGGAAGCT-3'
Protein context (NP_079033.4, residues 161-181): KGRTPSAFPQ[Thr171Arg]PAAPPATLGE